The following is an entry in ClinVar:

ClinVar aggregate classification (germline): Uncertain significance (1 of 4 stars; one submission).

Allele frequency attached by ClinVar (database versions not stated): gnomAD exomes below 0.00001; TOPMed below 0.00001.
gnomAD v4.1: 7 of 1,613,582 alleles (0.00043%); highest among the groups gnomAD compares: Non-Finnish European, 0.00051%; no homozygotes.

Submission:

Labcorp Genetics (formerly Invitae), Labcorp
Classification: Uncertain significance. Last evaluated: 2020-11-25. Review status: criteria provided, single submitter. Criteria: Invitae Variant Classification Sherloc (09022015). Collection method: clinical testing. Allele origin: germline.
Comment: In summary, the available evidence is currently insufficient to determine the role of this variant in disease. Therefore, it has been classified as a Variant of Uncertain Significance. Advanced modeling of protein sequence and biophysical properties (such as structural, functional, and spatial information, amino acid conservation, physicochemical variation, residue mobility, and thermodynamic stability) performed at Invitae indicates that this missense variant is expected to disrupt SI protein function. This variant has not been reported in the literature in individuals with SI-related conditions. This variant is not present in population databases (ExAC no frequency). This sequence change replaces aspartic acid with valine at codon 1318 of the SI protein (p.Asp1318Val). The aspartic acid residue is highly conserved and there is a large physicochemical difference between aspartic acid and valine.

NM_001041.4(SI):c.3953A>T (p.Asp1318Val)

Gene: SI (sucrase-isomaltase; minus strand). Cytogenetic location: 3q26.1.
Variant type: single nucleotide variant.
Coding change: c.3953A>T on transcript NM_001041.4 (MANE Select); coding-DNA position 3953, A replaced by T.
Protein change: p.Asp1318Val; replaces aspartic acid 1318 with valine.
Molecular consequence: missense variant.
Genome position (GRCh38, 1-based): chr3:165,015,169, T>A on the plus strand (A>T on the coding strand, the complement: SI is on the minus strand). VCF-style: chr3-165015169-T-A. GRCh37 (hg19) VCF-style: chr3-164732957-T-A.
Other names: short protein forms D1318V.
Identifiers: ClinVar variation 1351286 (VCV001351286.8), dbSNP rs1193644915, ClinGen allele CA355035946.